The following is an entry in ClinVar:

ClinVar aggregate classification (germline): Uncertain significance (1 of 4 stars; one submission).

Submission:

Labcorp Genetics (formerly Invitae), Labcorp
Classification: Uncertain significance. Last evaluated: 2021-06-24. Review status: criteria provided, single submitter. Criteria: Invitae Variant Classification Sherloc (09022015). Collection method: clinical testing. Allele origin: germline.
Comment: In summary, the available evidence is currently insufficient to determine the role of this variant in disease. Therefore, it has been classified as a Variant of Uncertain Significance. Algorithms developed to predict the effect of missense changes on protein structure and function are either unavailable or do not agree on the potential impact of this missense change (SIFT: "Not Available"; PolyPhen-2: "Benign"; Align-GVGD: "Not Available"). This variant has not been reported in the literature in individuals with CHUK-related conditions. This variant is not present in population databases (ExAC no frequency). This sequence change replaces cysteine with tyrosine at codon 614 of the CHUK protein (p.Cys614Tyr). The cysteine residue is highly conserved and there is a large physicochemical difference between cysteine and tyrosine.

NM_001278.5(CHUK):c.1841G>A (p.Cys614Tyr)

Gene: CHUK (component of inhibitor of nuclear factor kappa B kinase complex; minus strand). Cytogenetic location: 10q24.31.
Variant type: single nucleotide variant.
Coding change: c.1841G>A on transcript NM_001278.5 (MANE Select); coding-DNA position 1841, G replaced by A.
Protein change: p.Cys614Tyr; replaces cysteine 614 with tyrosine.
Molecular consequence: missense variant.
Genome position (GRCh38, 1-based): chr10:100,194,117, C>T on the plus strand (G>A on the coding strand, the complement: CHUK is on the minus strand). VCF-style: chr10-100194117-C-T. GRCh37 (hg19) VCF-style: chr10-101953874-C-T.
Other names: c.1841G>A, p.Cys614Tyr (NM_001320928.2); short protein forms C614Y.
Identifiers: ClinVar variation 1486501 (VCV001486501.6), dbSNP rs2134207179, ClinGen allele CA378148428.